The following is an entry in ClinVar:

ClinVar aggregate classification (germline): Pathogenic/Likely pathogenic. Review status: criteria provided, multiple submitters, no conflicts (2 of 4 stars). 4 submissions from 4 submitters: Pathogenic (2); Likely pathogenic (1). 1 of the submissions does not count toward it. Last evaluated 2019-07-02.

Conditions:
Familial thoracic aortic aneurysm and aortic dissection (TAAD). Also called: Thoracic aortic aneurysms and dissections. Identifiers: Orphanet 91387, MedGen C4707243, MONDO:0019625.
Ehlers-Danlos syndrome, type 4 (EDSVASC). Also called: Ehlers-Danlos syndrome vascular type; Ehlers Danlos syndrome, ecchymotic type; Ehlers Danlos syndrome, arterial type; Ehlers Danlos syndrome, Sack-Barabas type; Ehlers-Danlos Syndrome Type IV. Identifiers: Orphanet 286, MedGen C0268338, MONDO:0017314, OMIM 130050.

Submissions (4):

Labcorp Genetics (formerly Invitae), Labcorp
Classification: Pathogenic for Ehlers-Danlos syndrome, type 4. Last evaluated: 2019-07-02. Review status: criteria provided, single submitter. Criteria: Invitae Variant Classification Sherloc (09022015). Collection method: clinical testing. Allele origin: germline.
Comment: This sequence change replaces glycine with aspartic acid at codon 588 of the COL3A1 protein (p.Gly588Asp). The glycine residue is highly conserved and there is a moderate physicochemical difference between glycine and aspartic acid. This variant is not present in population databases (ExAC no frequency). This variant has been reported in individuals affected with Ehlers Danlos syndrome type IV (PMID: 10706896, 24922459). ClinVar contains an entry for this variant (Variation ID: 101451). Glycine residues within the Gly-Xaa-Yaa repeats of the triple helix domain are required for the structure and stability of fibrillar collagens (PMID: 7695699, 8218237, 19344236). In COL3A1, missense variants at these glycine residues are significantly enriched in individuals with disease (PMID: 24922459, 25758994) compared to the general population (ExAC). For these reasons, this variant has been classified as Pathogenic.

Laboratory for Molecular Medicine, Mass General Brigham Personalized Medicine
Classification: Likely pathogenic for Ehlers-Danlos syndrome, type 4. Last evaluated: 2019-03-01. Review status: criteria provided, single submitter. Criteria: LMM Criteria. Collection method: clinical testing. Allele origin: germline. Inheritance: Autosomal dominant inheritance. Observed: 1 variant allele.
Comment: The p.Gly588Asp variant in COL3A1 has been reported in 2 individuals with clinical features of Ehlers-Danlos syndrome type IV (EDS IV; Pepin 2000, Pepin 2014). This variant was absent from large population studies and has been reported as pathogenic in ClinVar (Variation ID 101451). Computational prediction tools and conservation analysis suggest that the p.Gly588Asp variant may impact the protein. Variants in COL3A1 affecting conserved glycine (Gly) residues of the G-X-Y repeat region in the triple helical collagen domain, where this variant is located, are strongly associated with EDS IV (Pepin 2000, Pepin 2014, Frank 2015). Furthermore, a different missense variant affecting the same position, p.Gly588Val, has been reported in an individual with EDS IV (Frank 2015). In summary, although additional studies are required to fully establish its clinical significance, this variant meets criteria to be classified as likely pathogenic for autosomal dominant EDS IV. ACMG/AMP Criteria applied: PM1, PM2, PM5, PP3, PS4_Supporting.

Ambry Genetics
Classification: Pathogenic for Familial thoracic aortic aneurysm and aortic dissection. Last evaluated: 2016-06-03. Review status: criteria provided, single submitter. Criteria: Ambry Variant Classification Scheme 2023. Collection method: clinical testing. Allele origin: germline.
Comment: The p.G588D pathogenic mutation (also known as c.1763G>A), located in coding exon 25 of the COL3A1 gene, results from a G to A substitution at nucleotide position 1763. The glycine at codon 588 is replaced by aspartic acid, an amino acid with similar properties. The majority (approximately two-thirds) of COL3A1 variants identified to date have involved the substitution of another amino acid for glycine within the triple-helical domain (Schwarze U et al. Am J Hum Genet. 1997;61(6):1276-1286; Pepin MG et al. Genet. Med. 2014 Dec; 16(12):881-8). This particular mutation was identified in two unrelated individuals in a large Ehlers-Danlos syndrome (EDS) type IV cohort, one of whom had biochemically confirmed EDS type IV (Pepin M et al. N. Engl. J. Med. 2000 Mar; 342(10):673-80; Pepin MG et al. Genet. Med. 2014 Dec; 16(12):881-8). Based on the available evidence, p.G588D is interpreted as a disease-causing mutation.

Collagen Diagnostic Laboratory, University of Washington
Classification: Pathogenic for Ehlers-Danlos syndrome, type 4. Review status: no assertion criteria provided. Collection method: clinical testing. Allele origin: germline. Affected: yes. Not counted in ClinVar's aggregate classification.

Literature cited by the submitters: PubMed 10706896 (cited by 4 submitters); PubMed 24922459 (cited by 3 submitters); PubMed 7695699 (cited by Labcorp Genetics (formerly Invitae), Labcorp); PubMed 8218237 (cited by Labcorp Genetics (formerly Invitae), Labcorp); PubMed 19344236 (cited by Labcorp Genetics (formerly Invitae), Labcorp); PubMed 25758994 (cited by Labcorp Genetics (formerly Invitae), Labcorp and Laboratory for Molecular Medicine, Mass General Brigham Personalized Medicine); PubMed 20052764 (cited by Laboratory for Molecular Medicine, Mass General Brigham Personalized Medicine).

NM_000090.4(COL3A1):c.1763G>A (p.Gly588Asp)

Gene: COL3A1 (collagen type III alpha 1 chain; plus strand). Cytogenetic location: 2q32.2.
Variant type: single nucleotide variant.
Coding change: c.1763G>A on transcript NM_000090.4 (MANE Select); coding-DNA position 1763, G replaced by A.
Protein change: p.Gly588Asp; replaces glycine 588 with aspartic acid.
Molecular consequence: missense variant.
Genome position (GRCh38, 1-based): chr2:188,997,166, G>A. VCF-style: chr2-188997166-G-A. GRCh37 (hg19) VCF-style: chr2-189861892-G-A.
Identifiers: ClinVar variation 101451 (VCV000101451.22), dbSNP rs587779691, ClinGen allele CA004508.